The following is an entry in ClinVar:

NM_004380.3(CREBBP):c.5289C>T (p.Ser1763=)

Gene: CREBBP (CREB binding lysine acetyltransferase; minus strand). Cytogenetic location: 16p13.3.
Variant type: single nucleotide variant.
Coding change: c.5289C>T on transcript NM_004380.3 (MANE Select); coding-DNA position 5289, C replaced by T.
Protein change: p.Ser1763=; no amino-acid change (serine 1763 retained).
Molecular consequence: synonymous variant.
Genome position (GRCh38, 1-based): chr16:3,729,758, G>A on the plus strand (C>T on the coding strand, the complement: CREBBP is on the minus strand). VCF-style: chr16-3729758-G-A. GRCh37 (hg19) VCF-style: chr16-3779759-G-A.
Other names: c.5175C>T, p.Ser1725= (NM_001079846.1).
Identifiers: ClinVar variation 3358038 (VCV003358038.1).

ClinVar aggregate classification (germline): Likely benign (0 of 4 stars; one submission).

Conditions:
CREBBP-related disorder. Also called: CREBBP-related condition; CREBBP-related disorders.

gnomAD v4.1: 5 of 1,608,196 alleles (0.00031%); highest among the groups gnomAD compares: African/African-American, 0.004%; no homozygotes.

Submission:

PreventionGenetics, part of Exact Sciences
Classification: Likely benign for CREBBP-related condition. Last evaluated: 2023-08-03. Review status: no assertion criteria provided. Collection method: clinical testing. Allele origin: germline.
Comment: This variant is classified as likely benign based on ACMG/AMP sequence variant interpretation guidelines (Richards et al. 2015 PMID: 25741868, with internal and published modifications).